The following is an entry in ClinVar:

ClinVar aggregate classification (germline): Benign/Likely benign. Review status: criteria provided, multiple submitters, no conflicts (2 of 4 stars). 3 submissions from 3 submitters: Benign (1); Likely benign (2). Last evaluated 2025-12-28.

Conditions:
Developmental and epileptic encephalopathy, 42 (DEE42A). Also called: DEVELOPMENTAL AND EPILEPTIC ENCEPHALOPATHY 42A; EPILEPTIC ENCEPHALOPATHY, EARLY INFANTILE, 42A; Epileptic encephalopathy, early infantile, 42. Identifiers: MedGen C4310716, MONDO:0014917, OMIM 617106.
Episodic ataxia type 2 (EA2). Also called: ACETAZOLAMIDE-RESPONSIVE HEREDITARY PAROXYSMAL CEREBELLAR ATAXIA; ATAXIA, EPISODIC, WITH NYSTAGMUS; ATAXIA, FAMILIAL PAROXYSMAL; CEREBELLAR ATAXIA, PAROXYSMAL, ACETAZOLAMIDE-RESPONSIVE; CEREBELLOPATHY, HEREDITARY PAROXYSMAL; EPISODIC ATAXIA, NYSTAGMUS-ASSOCIATED. Identifiers: Orphanet 97, MedGen C1720416, MONDO:0007163, OMIM 108500.

Allele frequency attached by ClinVar (database versions not stated): ExAC 0.00003; gnomAD exomes 0.00003 and 0.00004; gnomAD 0.00005; TOPMed 0.00006; ESP Exome Variant Server 0.00033.
gnomAD v4.1: 48 of 1,613,812 alleles (0.003%); highest among the groups gnomAD compares: African/African-American, 0.016%; no homozygotes.

Submissions (3):

Labcorp Genetics (formerly Invitae), Labcorp
Classification: Likely benign for Developmental and epileptic encephalopathy, 42; Episodic ataxia type 2. Last evaluated: 2025-12-28. Review status: criteria provided, single submitter. Criteria: Invitae Variant Classification Sherloc (09022015). Collection method: clinical testing. Allele origin: germline.

Athena Diagnostics
Classification: Benign. Last evaluated: 2025-08-05. Review status: criteria provided, single submitter. Criteria: Athena Diagnostics Criteria. Collection method: clinical testing. Allele origin: unknown.
Comment: The frequency of this variant in the general population is higher than would generally be expected for pathogenic variants in this gene. Computational tools yielded predictions that this variant is unlikely to have an effect on normal RNA splicing.

GeneDx
Classification: Likely benign. Last evaluated: 2021-01-30. Review status: criteria provided, single submitter. Criteria: GeneDx Variant Classification Process June 2021. Collection method: clinical testing. Allele origin: germline. Affected: yes.

NM_001127222.2(CACNA1A):c.4896C>T (p.Phe1632=)

Gene: CACNA1A (calcium voltage-gated channel subunit alpha1 A; minus strand). Cytogenetic location: 19p13.13.
Variant type: single nucleotide variant.
Coding change: c.4896C>T on transcript NM_001127222.2 (MANE Select); coding-DNA position 4896, C replaced by T.
Protein change: p.Phe1632=; no amino-acid change (phenylalanine 1632 retained).
Molecular consequence: synonymous variant.
Genome position (GRCh38, 1-based): chr19:13,245,236, G>A on the plus strand (C>T on the coding strand, the complement: CACNA1A is on the minus strand). VCF-style: chr19-13245236-G-A. GRCh37 (hg19) VCF-style: chr19-13356050-G-A.
Other names: c.4908C>T, p.Phe1636= (NM_000068.4, NM_023035.3); c.4899C>T, p.Phe1633= (NM_001127221.2, NM_001174080.2); c.4899C>T (NM_000068.2).
Identifiers: ClinVar variation 476262 (VCV000476262.15), dbSNP rs374613316, ClinGen allele CA9239902.